The following is an entry in ClinVar:

NM_003482.4(KMT2D):c.11435_11457del (p.Gln3812fs)

Gene: KMT2D (lysine methyltransferase 2D; minus strand). Cytogenetic location: 12q13.12.
Variant type: Deletion.
Coding change: c.11435_11457del on transcript NM_003482.4 (MANE Select); coding-DNA positions 11435 to 11457, 23 bases deleted (AGCAGCACCCTGGAGCTTTGGGC).
Protein change: p.Gln3812fs; shifts the reading frame from glutamine 3812.
Molecular consequence: frameshift variant.
Genome position (GRCh38, 1-based): chr12:49,033,248-49,033,270, GCCCAAAGCTCCAGGGTGCTGCT deleted on the plus strand (AGCAGCACCCTGGAGCTTTGGGC on the coding strand, the reverse complement: KMT2D is on the minus strand); deleting any 23 consecutive bases within chr12:49,033,248-49,033,272 gives the same sequence; the c. name uses the placement nearest the transcript's 3' end. VCF-style (leftmost placement, unchanged base first): chr12-49033247-GGCCCAAAGCTCCAGGGTGCTGCT-G. GRCh37 (hg19) VCF-style: chr12-49427030-GGCCCAAAGCTCCAGGGTGCTGCT-G.
Other names: c.11435_11457del23 (NM_003482.3); short protein forms Q3812fs.
Identifiers: ClinVar variation 2630284 (VCV002630284.1), dbSNP rs2498363256, ClinGen allele CA2695199081.

ClinVar aggregate classification (germline): Pathogenic (1 of 4 stars; one submission).

Conditions:
KMT2D-related disorder. Also called: KMT2D-Related Disorders.

Submission:

PreventionGenetics, part of Exact Sciences
Classification: Pathogenic for KMT2D-related condition. Last evaluated: 2023-02-24. Review status: criteria provided, single submitter. Criteria: ACMG Guidelines, 2015. Collection method: clinical testing. Allele origin: germline.
Comment: The KMT2D c.11435_11457del23 variant is predicted to result in a frameshift and premature protein termination (p.Gln3812Profs*192). To our knowledge, this variant has not been reported in the literature or in a large population database, indicating this variant is rare. Frameshift and other loss-of-function variants in KMT2D have been well documented to be pathogenic (Human Gene Mutation Database), and therefore this variant is interpreted as pathogenic.